The following is an entry in ClinVar:

NM_001378778.1(MPDZ):c.2099A>G (p.His700Arg)

Gene: MPDZ (multiple PDZ domain crumbs cell polarity complex component; minus strand). Cytogenetic location: 9p23.
Variant type: single nucleotide variant.
Coding change: c.2099A>G on transcript NM_001378778.1 (MANE Select); coding-DNA position 2099, A replaced by G.
Protein change: p.His700Arg; replaces histidine 700 with arginine.
Molecular consequence: missense variant.
Genome position (GRCh38, 1-based): chr9:13,190,169, T>C on the plus strand (A>G on the coding strand, the complement: MPDZ is on the minus strand). VCF-style: chr9-13190169-T-C. GRCh37 (hg19) VCF-style: chr9-13190168-T-C.
Other names: c.2099A>G, p.His700Arg (NM_001261406.2, NM_001261407.2, NM_001330637.2 and 14 more transcripts); short protein forms H700R.
Identifiers: ClinVar variation 1400255 (VCV001400255.8), dbSNP rs1191570181, ClinGen allele CA372938517.

ClinVar aggregate classification (germline): Uncertain significance (1 of 4 stars; one submission).

Allele frequency attached by ClinVar (database versions not stated): gnomAD exomes below 0.00001 and 0.00001.
gnomAD v4.1: 10 of 1,613,344 alleles (0.00062%); highest among the groups gnomAD compares: Middle Eastern, 0.05%; no homozygotes.

Submission:

Labcorp Genetics (formerly Invitae), Labcorp
Classification: Uncertain significance. Last evaluated: 2022-07-12. Review status: criteria provided, single submitter. Criteria: Invitae Variant Classification Sherloc (09022015). Collection method: clinical testing. Allele origin: germline.
Comment: In summary, the available evidence is currently insufficient to determine the role of this variant in disease. Therefore, it has been classified as a Variant of Uncertain Significance. Algorithms developed to predict the effect of missense changes on protein structure and function (SIFT, PolyPhen-2, Align-GVGD) all suggest that this variant is likely to be tolerated. ClinVar contains an entry for this variant (Variation ID: 1400255). This variant has not been reported in the literature in individuals affected with MPDZ-related conditions. This variant is present in population databases (no rsID available, gnomAD 0.0009%). This sequence change replaces histidine, which is basic and polar, with arginine, which is basic and polar, at codon 700 of the MPDZ protein (p.His700Arg).